The following is an entry in ClinVar:

NM_003906.5(MCM3AP):c.5601C>A (p.Ser1867Arg)

Genes: MCM3AP (minichromosome maintenance complex component 3 associated protein; minus strand), MCM3AP-AS1 (MCM3AP antisense RNA 1; plus strand). Cytogenetic location: 21q22.3.
Variant type: single nucleotide variant.
Coding change: c.5601C>A on transcript NM_003906.5 (MANE Select); coding-DNA position 5601, C replaced by A.
Protein change: p.Ser1867Arg; replaces serine 1867 with arginine.
Molecular consequence: missense variant. On other transcripts: non-coding transcript variant (4).
Genome position (GRCh38, 1-based): chr21:46,240,843, G>T on the plus strand (C>A on the coding strand, the complement: MCM3AP is on the minus strand). VCF-style: chr21-46240843-G-T. GRCh37 (hg19) VCF-style: chr21-47660757-G-T.
Other names: short protein forms S1867R.
Identifiers: ClinVar variation 4804060 (VCV004804060.1).

ClinVar aggregate classification (germline): Uncertain significance (1 of 4 stars; one submission).

Submission:

Labcorp Genetics (formerly Invitae), Labcorp
Classification: Uncertain significance. Last evaluated: 2025-08-04. Review status: criteria provided, single submitter. Criteria: Invitae Variant Classification Sherloc (09022015). Collection method: clinical testing. Allele origin: germline.
Comment: This sequence change replaces serine, which is neutral and polar, with arginine, which is basic and polar, at codon 1867 of the MCM3AP protein (p.Ser1867Arg). This variant is not present in population databases (gnomAD no frequency). This variant has not been reported in the literature in individuals affected with MCM3AP-related conditions. An algorithm developed to predict the effect of missense changes on protein structure and function (PolyPhen-2) suggests that this variant is likely to be tolerated. In summary, the available evidence is currently insufficient to determine the role of this variant in disease. Therefore, it has been classified as a Variant of Uncertain Significance.